The following is an entry in ClinVar:

ClinVar aggregate classification (germline): Benign/Likely benign. Review status: criteria provided, multiple submitters, no conflicts (2 of 4 stars). 5 submissions from 4 submitters: Benign (3); Likely benign (1). 1 of the submissions does not count toward it. Last evaluated 2025-11-05.

Conditions:
Inborn genetic diseases. Identifiers: MedGen C0950123, MeSH D030342.
Fanconi anemia complementation group B (FANCB). Also called: FANCB-Related Fanconi Anemia; FANCONI PANCYTOPENIA, TYPE 2. Identifiers: Orphanet 84, MedGen C1845292, MONDO:0010351, OMIM 300514.
Fanconi anemia (FA). Also called: Fanconi's anemia. Identifiers: Orphanet 84, MedGen C0015625, MeSH D005199, MONDO:0019391.
FANCB-related disorder. Also called: FANCB-related condition.
VACTERL association, X-linked, with or without hydrocephalus (VACTERLX). Also called: VACTERL-H, X-LINKED; VACTERL Association with Hydrocephalus, X-linked; X-linked VACTERL-H syndrome; VACTERL ASSOCIATION, X-LINKED. Identifiers: Orphanet 3412, MedGen C2931228, MONDO:0010752, OMIM 314390.

Allele frequency attached by ClinVar (database versions not stated): gnomAD 0.00001; gnomAD exomes 0.00005 and 0.00009; TOPMed 0.00008; ExAC 0.00014.
gnomAD v4.1: 22 of 1,208,293 alleles (0.0018%); highest among the groups gnomAD compares: Admixed American, 0.048%; no homozygotes.

Submissions (5):

Labcorp Genetics (formerly Invitae), Labcorp
Classification: Benign for Fanconi anemia. Last evaluated: 2025-11-05. Review status: criteria provided, single submitter. Criteria: Invitae Variant Classification Sherloc (09022015). Collection method: clinical testing. Allele origin: germline.

Ambry Genetics
Classification: Likely benign for Inborn genetic diseases. Last evaluated: 2022-08-30. Review status: criteria provided, single submitter. Criteria: Ambry Variant Classification Scheme 2023. Collection method: clinical testing. Allele origin: germline.

Illumina Laboratory Services, Illumina
Classification: Benign for Fanconi anemia complementation group B. Last evaluated: 2018-01-12. Review status: criteria provided, single submitter. Criteria: ICSL Variant Classification Criteria 13 December 2019. Collection method: clinical testing. Allele origin: germline.
Comment: This variant was observed in the ICSL laboratory as part of a predisposition screen in an ostensibly healthy population. It had not been previously curated by ICSL or reported in the Human Gene Mutation Database (HGMD: prior to June 1st, 2018), and was therefore a candidate for classification through an automated scoring system. Utilizing variant allele frequency, disease prevalence and penetrance estimates, and inheritance mode, an automated score was calculated to assess if this variant is too frequent to cause the disease. Based on the score and internal cut-off values, a variant classified as benign is not then subjected to further curation. The score for this variant resulted in a classification of benign for this disease.

Illumina Laboratory Services, Illumina
Classification: Benign for VACTERL association with hydrocephaly, X-linked. Last evaluated: 2018-01-12. Review status: criteria provided, single submitter. Criteria: ICSL Variant Classification Criteria 13 December 2019. Collection method: clinical testing. Allele origin: germline.
Comment: the same text as in the submission from Illumina Laboratory Services, Illumina above.

PreventionGenetics, part of Exact Sciences
Classification: Likely benign for FANCB-related condition. Last evaluated: 2022-04-04. Review status: no assertion criteria provided. Collection method: clinical testing. Allele origin: germline. Not counted in ClinVar's aggregate classification.
Comment: This variant is classified as likely benign based on ACMG/AMP sequence variant interpretation guidelines (Richards et al. 2015 PMID: 25741868, with internal and published modifications).

NM_001018113.3(FANCB):c.2311A>G (p.Ser771Gly)

Gene: FANCB (FA complementation group B; minus strand). Cytogenetic location: Xp22.2.
Variant type: single nucleotide variant.
Coding change: c.2311A>G on transcript NM_001018113.3 (MANE Select); coding-DNA position 2311, A replaced by G.
Protein change: p.Ser771Gly; replaces serine 771 with glycine.
Molecular consequence: missense variant.
Genome position (GRCh38, 1-based): chrX:14,843,836, T>C on the plus strand (A>G on the coding strand, the complement: FANCB is on the minus strand). VCF-style: chrX-14843836-T-C. GRCh37 (hg19) VCF-style: chrX-14861958-T-C.
Other names: c.2311A>G (NM_001018113.2); c.2311A>G, p.Ser771Gly (NM_001324162.2, NM_152633.4); short protein forms S771G.
Identifiers: ClinVar variation 368022 (VCV000368022.18), dbSNP rs750381270, ClinGen allele CA10352928.